The following is an entry in ClinVar:

NM_018082.6(POLR3B):c.2302C>T (p.Arg768Cys)

Gene: POLR3B (RNA polymerase III subunit B; plus strand). Cytogenetic location: 12q23.3.
Variant type: single nucleotide variant.
Coding change: c.2302C>T on transcript NM_018082.6 (MANE Select); coding-DNA position 2302, C replaced by T.
Protein change: p.Arg768Cys; replaces arginine 768 with cysteine.
Molecular consequence: missense variant.
Genome position (GRCh38, 1-based): chr12:106,457,146, C>T. VCF-style: chr12-106457146-C-T. GRCh37 (hg19) VCF-style: chr12-106850924-C-T.
Other names: NM_018082.6(POLR3B):c.2302C>T; p.Arg768Cys; c.2128C>T, p.Arg710Cys (NM_001160708.2); short protein forms R710C, R768C.
Identifiers: ClinVar variation 973230 (VCV000973230.12), dbSNP rs371453512, ClinGen allele CA6762165.

ClinVar aggregate classification (germline): Conflicting classifications of pathogenicity. Review status: criteria provided, conflicting classifications (1 of 4 stars). 7 submissions from 7 submitters: Likely pathogenic (3); Uncertain significance (2). 2 of the submissions do not count toward it. Last evaluated 2025-05-02.

Conditions:
Charcot-Marie-Tooth disease, demyelinating, IIA 1I. Also called: CHARCOT-MARIE-TOOTH NEUROPATHY, TYPE 1I; Charcot-Marie-Tooth disease, demyelinating, type 1I. Identifiers: MedGen C5676914, MONDO:0030677, OMIM 619742.
Leukodystrophy, hypomyelinating, 8, with or without oligodontia and/or hypogonadotropic hypogonadism. Also called: LEUKODYSTROPHY, HYPOMYELINATING, 8, WITH HYPODONTIA AND HYPOGONADOTROPIC HYPOGONADISM; Endosteal sclerosis-cerebellar hypoplasia syndrome; Hypomyelinating leukodystrophy 8 with or without oligodontia and-or hypogonadotropic hypogonadism. Identifiers: Orphanet 85186, Orphanet 88637, MedGen C3280644, MONDO:0013722, OMIM 614381.

Allele frequency attached by ClinVar (database versions not stated): gnomAD 0.00001; ExAC 0.00002; gnomAD exomes 0.00003 and 0.00002; ESP Exome Variant Server 0.00008; TOPMed 0.00001.
gnomAD v4.1: 29 of 1,612,466 alleles (0.0018%); highest among the groups gnomAD compares: Non-Finnish European, 0.0018%; no homozygotes.

Submissions (7):

Revvity Omics, Revvity
Classification: Likely pathogenic. Last evaluated: 2025-05-02. Review status: criteria provided, single submitter. Criteria: ACMG Guidelines, 2015. Collection method: clinical testing. Allele origin: germline.

GeneDx
Classification: Uncertain significance. Last evaluated: 2023-02-06. Review status: criteria provided, single submitter. Criteria: GeneDx Variant Classification Process June 2021. Collection method: clinical testing. Allele origin: germline. Affected: yes.
Comment: In silico analysis supports that this missense variant has a deleterious effect on protein structure/function; This variant is associated with the following publications: (PMID: 32371413, 27029625, 34490615)

Broad Center for Mendelian Genomics, Broad Institute of MIT and Harvard
Classification: Uncertain significance for Leukodystrophy, hypomyelinating, 8, with or without oligodontia and/or hypogonadotropic hypogonadism. Last evaluated: 2022-02-28. Review status: criteria provided, single submitter. Criteria: ACMG Guidelines, 2015. Collection method: curation. Allele origin: germline. Inheritance: Autosomal recessive inheritance.
Comment: The p.Arg768Cys variant in POLR3B has been reported in 2 individuals with 4H leukodystrophy (PMID: 32371413, 27029625), and has been identified in 0.02% (2/10072) of Ashkenazi Jewish chromosomes by the Genome Aggregation Database (gnomAD; dbSNP ID: rs371453512). Although this variant has been seen in the general population in a heterozygous state, its frequency is not high enough to rule out a pathogenic role. Of the 2 affected individuals, 1 was a homozygote, which increases the likelihood that the p.Arg768Cys variant is pathogenic (PMID: 32371413). This variant has also been reported in ClinVar (Variation ID#: 973230) and has been interpreted as likely pathogenic/pathogenic by Institute for Genomic Medicine (IGM) Clinical Laboratory (Nationwide Children's Hospital) and GeneReviews. Computational prediction tools and conservation analyses suggest that this variant may impact the protein, though this information is not predictive enough to determine pathogenicity. The number of missense variants reported in POLR3B in the general population is lower than expected, suggesting there is little benign variation in this gene and slightly increasing the possibility that a missense variant in this gene may not be tolerated. One additional variant of uncertain significance, resulting in a different amino acid change at the same position, (p.Arg768His), has been reported in association with disease in the literature/ClinVar, though this information is not enough to determine pathogenicity (PMID: 26597493, 22036171, 32180488/Variation ID: 31161). In summary, the clinical significance of the p.Arg768Cys variant is uncertain. ACMG/AMP Criteria applied: PP3, PP2, PM3_supporting (Richards 2015).

Institute for Genomic Medicine (IGM) Clinical Laboratory, Nationwide Children's Hospital
Classification: Likely pathogenic for Leukodystrophy, hypomyelinating, 8, with or without oligodontia and/or hypogonadotropic hypogonadism. Last evaluated: 2018-11-26. Review status: criteria provided, single submitter. Criteria: ACMG Guidelines, 2015. Collection method: clinical testing. Allele origin: germline. Affected: yes.
Comment: [ACMG/AMP: PM2, PM5, PP2, PP3] This alteration is absent from or rarely observed in large-scale population databases [PM2], is a novel missense change at an amino residue where a different missense change has been deemed to be pathogenic [PM5], is a missense variant in a gene in which missense variants are a common mechanism of disease [PP2], is predicted to be damaging by multiple functional prediction tools [PP3].

Neuberg Centre For Genomic Medicine, NCGM
Classification: Likely pathogenic for Charcot-Marie-Tooth disease, demyelinating, IIA 1I. Review status: criteria provided, single submitter. Criteria: ACMG Guidelines, 2015. Collection method: clinical testing. Allele origin: germline. Inheritance: Autosomal recessive inheritance. Affected: yes.

Clinical Genetics Laboratory, University Hospital Schleswig-Holstein
Classification: Uncertain significance for Leukodystrophy, hypomyelinating, 8, with or without oligodontia and/or hypogonadotropic hypogonadism. Last evaluated: 2023-11-07. Review status: no assertion criteria provided. Collection method: clinical testing. Allele origin: biparental. Affected: yes. Not counted in ClinVar's aggregate classification.

GeneReviews
No classification provided. Condition: Leukodystrophy, hypomyelinating, 8, with or without oligodontia and/or hypogonadotropic hypogonadism. Review status: no classification provided. Collection method: literature only. Allele origin: germline. Not counted in ClinVar's aggregate classification.

Literature cited by the submitters: PubMed 27029625 (cited by GeneReviews); PubMed 22855961 (cited by GeneReviews).